The following is an entry in ClinVar:

NM_001035.3(RYR2):c.6473A>G (p.His2158Arg)

Gene: RYR2 (ryanodine receptor 2; plus strand). Cytogenetic location: 1q43.
Variant type: single nucleotide variant.
Coding change: c.6473A>G on transcript NM_001035.3 (MANE Select); coding-DNA position 6473, A replaced by G.
Protein change: p.His2158Arg; replaces histidine 2158 with arginine.
Molecular consequence: missense variant.
Genome position (GRCh38, 1-based): chr1:237,631,459, A>G. VCF-style: chr1-237631459-A-G. GRCh37 (hg19) VCF-style: chr1-237794759-A-G.
Other names: short protein forms H2158R.
Identifiers: ClinVar variation 4800081 (VCV004800081.1).

ClinVar aggregate classification (germline): Uncertain significance (1 of 4 stars; one submission).

Conditions:
Catecholaminergic polymorphic ventricular tachycardia 1. Also called: VENTRICULAR TACHYCARDIA, STRESS-INDUCED POLYMORPHIC 1; RYR2-Related Catecholaminergic Polymorphic Ventricular Tachycardia; VENTRICULAR TACHYCARDIA, CATECHOLAMINERGIC POLYMORPHIC, 1, WITH OR WITHOUT ATRIAL DYSFUNCTION AND/OR DILATED CARDIOMYOPATHY. Identifiers: Orphanet 3286, MedGen C1631597, MONDO:0011484, OMIM 604772.

Submission:

Labcorp Genetics (formerly Invitae), Labcorp
Classification: Uncertain significance for Catecholaminergic polymorphic ventricular tachycardia 1. Last evaluated: 2025-11-23. Review status: criteria provided, single submitter. Criteria: Invitae Variant Classification Sherloc (09022015). Collection method: clinical testing. Allele origin: germline.
Comment: This sequence change replaces histidine, which is basic and polar, with arginine, which is basic and polar, at codon 2158 of the RYR2 protein (p.His2158Arg). This variant is not present in population databases (gnomAD no frequency). This variant has not been reported in the literature in individuals affected with RYR2-related conditions. Invitae Evidence Modeling of protein sequence and biophysical properties (such as structural, functional, and spatial information, amino acid conservation, physicochemical variation, residue mobility, and thermodynamic stability) indicates that this missense variant is expected to disrupt RYR2 protein function with a positive predictive value of 95%. In summary, the available evidence is currently insufficient to determine the role of this variant in disease. Therefore, it has been classified as a Variant of Uncertain Significance.